The following is an entry in ClinVar:

NM_001958.5(EEF1A2):c.117T>C (p.Ile39=)

Gene: EEF1A2 (eukaryotic translation elongation factor 1 alpha 2; minus strand). Cytogenetic location: 20q13.33.
Variant type: single nucleotide variant.
Coding change: c.117T>C on transcript NM_001958.5 (MANE Select); coding-DNA position 117, T replaced by C.
Protein change: p.Ile39=; no amino-acid change (isoleucine 39 retained).
Molecular consequence: synonymous variant.
Genome position (GRCh38, 1-based): chr20:63,497,647, A>G on the plus strand (T>C on the coding strand, the complement: EEF1A2 is on the minus strand). VCF-style: chr20-63497647-A-G. GRCh37 (hg19) VCF-style: chr20-62129000-A-G.
Identifiers: ClinVar variation 383305 (VCV000383305.39), dbSNP rs754859581, ClinGen allele CA9959200.
Genomic context (GRCh38, chr20:63,497,647, plus strand): 5'-CAGGGGGCCAAGACCATAGCCTGGGGAGCTCACCTCAGCCGCCTCCTTCTCGAACTTCTC[A>G]ATGGTCCTTTTGTCAATACCTCCGCATTTGTAGATGAGGTGGCCCGTGGTGGTGGACTTT-3'
Protein context (NP_001949.1, residues 29-49): YKCGGIDKRT[Ile39=]EKFEKEAAEM

ClinVar aggregate classification (germline): Likely benign. Review status: criteria provided, multiple submitters, no conflicts (2 of 4 stars). 6 submissions from 6 submitters: Likely benign (5). 1 of the submissions does not count toward it. Last evaluated 2026-07-01.

Conditions:
Developmental and epileptic encephalopathy, 33 (DEE33). Also called: Epileptic encephalopathy, early infantile, 33. Identifiers: Orphanet 442835, MedGen C4225337, MONDO:0014625, OMIM 616409.
EEF1A2-related disorder. Also called: EEF1A2-related disorders; EEF1A2-related condition.
Inborn genetic diseases. Identifiers: MedGen C0950123, MeSH D030342.

Allele frequency attached by ClinVar (database versions not stated): ExAC 0.00001; gnomAD exomes 0.00001 and 0.00002; TOPMed 0.00003; gnomAD 0.00004.
gnomAD v4.1: 31 of 1,612,698 alleles (0.0019%); highest among the groups gnomAD compares: Middle Eastern, 0.099%; no homozygotes.

Submissions (6):

CeGaT Center for Human Genetics Tuebingen
Classification: Likely benign. Last evaluated: 2026-07-01. Review status: criteria provided, single submitter. Criteria: CeGaT Center For Human Genetics Tuebingen Variant Classification Criteria Version 2. Collection method: clinical testing. Allele origin: germline. Affected: yes. Observed: 2 variant alleles.
Comment: EEF1A2: BP4, BP7

Labcorp Genetics (formerly Invitae), Labcorp
Classification: Likely benign for Developmental and epileptic encephalopathy, 33. Last evaluated: 2026-01-15. Review status: criteria provided, single submitter. Criteria: Invitae Variant Classification Sherloc (09022015). Collection method: clinical testing. Allele origin: germline.

Blueprint Genetics
Classification: Likely benign. Last evaluated: 2024-10-23. Review status: criteria provided, single submitter. Criteria: ACMG Guidelines, 2015. Collection method: clinical testing. Allele origin: germline.

GeneDx
Classification: Likely benign. Last evaluated: 2019-01-17. Review status: criteria provided, single submitter. Criteria: GeneDx Variant Classification Process June 2021. Collection method: clinical testing. Allele origin: germline. Affected: yes.

Ambry Genetics
Classification: Likely benign for Inborn genetic diseases. Last evaluated: 2017-11-02. Review status: criteria provided, single submitter. Criteria: Ambry Variant Classification Scheme 2023. Collection method: clinical testing. Allele origin: germline.

PreventionGenetics, part of Exact Sciences
Classification: Likely benign for EEF1A2-related condition. Last evaluated: 2019-07-03. Review status: no assertion criteria provided. Collection method: clinical testing. Allele origin: germline. Not counted in ClinVar's aggregate classification.
Comment: This variant is classified as likely benign based on ACMG/AMP sequence variant interpretation guidelines (Richards et al. 2015 PMID: 25741868, with internal and published modifications).